The following is an entry in ClinVar:

ClinVar aggregate classification (germline): Likely benign. Review status: criteria provided, multiple submitters, no conflicts (2 of 4 stars). 2 submissions from 2 submitters: Likely benign (2). Last evaluated 2024-07-01.

Submissions (2):

CeGaT Center for Human Genetics Tuebingen
Classification: Likely benign. Last evaluated: 2024-07-01. Review status: criteria provided, single submitter. Criteria: CeGaT Center For Human Genetics Tuebingen Variant Classification Criteria Version 2. Collection method: clinical testing. Allele origin: germline. Affected: yes. Observed: 1 variant allele.
Comment: OSGEPL1: BS2

Labcorp Genetics (formerly Invitae), Labcorp
Classification: Likely benign. Last evaluated: 2019-12-14. Review status: criteria provided, single submitter. Criteria: Invitae Variant Classification Sherloc (09022015). Collection method: clinical testing. Allele origin: germline.

NM_022353.3(OSGEPL1):c.1133dup (p.Leu378fs)

Genes: ANKAR (ankyrin and armadillo repeat containing; plus strand), OSGEPL1 (O-sialoglycoprotein endopeptidase like 1; minus strand). Cytogenetic location: 2q32.2.
Variant type: Duplication.
Coding change: c.1133dup on transcript NM_022353.3 (MANE Select); coding-DNA position 1133, one base duplicated (T; older notation c.1133dupT).
Protein change: p.Leu378fs; shifts the reading frame from leucine 378.
Molecular consequence: frameshift variant. On other transcripts: non-coding transcript variant (2), intron variant (2).
Genome position (GRCh38, 1-based): chr2:189,752,686, A duplicated on the plus strand (T on the coding strand, the reverse complement: OSGEPL1 is on the minus strand); the first of 4 consecutive A bases (chr2:189,752,686-189,752,689); duplicating any one gives the same sequence. VCF-style (leftmost placement, unchanged base first): chr2-189752685-T-TA. GRCh37 (hg19) VCF-style: chr2-190617411-T-TA.
Other names: c.1133dup, p.Leu378fs (NM_001354347.2, NM_001376077.1, NM_001376078.1 and 7 more transcripts); c.692dup, p.Leu231fs (NM_001376084.1, NM_001376085.1, NM_001376088.1 and 3 more transcripts); c.536dup, p.Leu179fs (NM_001376101.1); c.1094+160dup (NM_001376100.1, NM_001376099.1); short protein forms L179fs, L231fs, L378fs.
Identifiers: ClinVar variation 774411 (VCV000774411.22), dbSNP rs568165204, ClinGen allele CA2025890.